The following is an entry in ClinVar:

NM_024063.3(AFG2B):c.-4T>C

Genes: AFG2B (AAA ATPase AFG2B; plus strand), LOC130056996 (ATAC-STARR-seq lymphoblastoid active region 9360; plus strand). Cytogenetic location: 15q21.1.
Variant type: single nucleotide variant.
Coding change: c.-4T>C on transcript NM_024063.3 (MANE Select); 4 bases upstream of the start codon, T replaced by C.
Molecular consequence: 5 prime UTR variant. On other transcripts: non-coding transcript variant (5).
Genome position (GRCh38, 1-based): chr15:45,402,426, T>C. VCF-style: chr15-45402426-T-C. GRCh37 (hg19) VCF-style: chr15-45694624-T-C.
Other names: c.-4T>C (NM_001323640.2).
Identifiers: ClinVar variation 4980248 (VCV004980248.1).

ClinVar aggregate classification (germline): Likely benign (1 of 4 stars; one submission).

Conditions:
AFG2B-related disorder. Also called: AFG2B-related condition.

gnomAD v4.1: 256 of 1,600,756 alleles (0.016%); highest among the groups gnomAD compares: African/African-American, 0.32%; 1 homozygote.

Submission:

PreventionGenetics, part of Exact Sciences
Classification: Likely benign for AFG2B-related condition. Last evaluated: 2025-12-18. Review status: criteria provided, single submitter. Criteria: ACMG Guidelines, 2015. Collection method: clinical testing. Allele origin: germline.
Comment: This variant is classified as likely benign based on ACMG/AMP sequence variant interpretation guidelines (Richards et al. 2015 PMID: 25741868, with internal and published modifications).